The following is an entry in ClinVar:

NM_002485.5(NBN):c.2092A>G (p.Lys698Glu)

Gene: NBN (nibrin; minus strand). Cytogenetic location: 8q21.3.
Variant type: single nucleotide variant.
Coding change: c.2092A>G on transcript NM_002485.5 (MANE Select); coding-DNA position 2092, A replaced by G.
Protein change: p.Lys698Glu; replaces lysine 698 with glutamic acid.
Molecular consequence: missense variant.
Genome position (GRCh38, 1-based): chr8:89,943,345, T>C on the plus strand (A>G on the coding strand, the complement: NBN is on the minus strand). VCF-style: chr8-89943345-T-C. GRCh37 (hg19) VCF-style: chr8-90955573-T-C.
Other names: c.1846A>G, p.Lys616Glu (NM_001024688.3); short protein forms K698E, K616E.
Identifiers: ClinVar variation 820700 (VCV000820700.7), dbSNP rs1586035456, ClinGen allele CA371675792.

ClinVar aggregate classification (germline): Uncertain significance. Review status: criteria provided, multiple submitters, no conflicts (2 of 4 stars). 2 submissions from 2 submitters: Uncertain significance (2). Last evaluated 2023-01-11.

Conditions:
Hereditary cancer-predisposing syndrome. Also called: Hereditary Cancer Syndrome; Neoplastic Syndromes, Hereditary; Hereditary neoplastic syndrome; Tumor predisposition. Identifiers: Orphanet 140162, MedGen C0027672, MeSH D009386, MONDO:0015356.
Microcephaly, normal intelligence and immunodeficiency (NBS). Also called: Nijmegen breakage syndrome; Microcephaly with normal intelligence immunodeficiency and lymphoreticular malignancies; Nonsyndromal microcephaly autosomal recessive with normal intelligence; Seemanova syndrome 2; Immunodeficiency, microcephaly with normal intelligence; Ataxia telangiectasia variant V1. Identifiers: Orphanet 647, MedGen C0398791, MONDO:0009623, OMIM 251260.

Allele frequency attached by ClinVar (database versions not stated): gnomAD exomes below 0.00001.
gnomAD v4.1: 1 of 1,607,948 alleles (0.000062%); highest among the groups gnomAD compares: Non-Finnish European, 0.000085%; no homozygotes.

Submissions (2):

Labcorp Genetics (formerly Invitae), Labcorp
Classification: Uncertain significance for Microcephaly, normal intelligence and immunodeficiency. Last evaluated: 2023-01-11. Review status: criteria provided, single submitter. Criteria: Invitae Variant Classification Sherloc (09022015). Collection method: clinical testing. Allele origin: germline.
Comment: In summary, the available evidence is currently insufficient to determine the role of this variant in disease. Therefore, it has been classified as a Variant of Uncertain Significance. Algorithms developed to predict the effect of missense changes on protein structure and function are either unavailable or do not agree on the potential impact of this missense change (SIFT: "Tolerated"; PolyPhen-2: "Possibly Damaging"; Align-GVGD: "Class C0"). ClinVar contains an entry for this variant (Variation ID: 820700). This variant has not been reported in the literature in individuals affected with NBN-related conditions. This variant is not present in population databases (gnomAD no frequency). This sequence change replaces lysine, which is basic and polar, with glutamic acid, which is acidic and polar, at codon 698 of the NBN protein (p.Lys698Glu).

Ambry Genetics
Classification: Uncertain significance for Hereditary cancer-predisposing syndrome. Last evaluated: 2022-03-28. Review status: criteria provided, single submitter. Criteria: Ambry Variant Classification Scheme 2023. Collection method: clinical testing. Allele origin: germline.
Comment: The p.K698E variant (also known as c.2092A>G), located in coding exon 14 of the NBN gene, results from an A to G substitution at nucleotide position 2092. The lysine at codon 698 is replaced by glutamic acid, an amino acid with similar properties. This amino acid position is not well conserved in available vertebrate species. In addition, this alteration is predicted to be tolerated by in silico analysis. Since supporting evidence is limited at this time, the clinical significance of this alteration remains unclear.